The following is an entry in ClinVar:

ClinVar aggregate classification (germline): Pathogenic/Likely pathogenic. Review status: criteria provided, multiple submitters, no conflicts (2 of 4 stars). 2 submissions from 2 submitters: Pathogenic (1); Likely pathogenic (1). Last evaluated 2024-03-27.

Conditions:
Deficiency of hyaluronoglucosaminidase (MPS9). Also called: MPS IX; Mucopolysaccharidosis type 9; HYALURONIDASE DEFICIENCY. Identifiers: Orphanet 67041, MedGen C1291490, MONDO:0011093, OMIM 601492.

Submissions (2):

Natera, Inc.
Classification: Likely pathogenic for Mucopolysaccharidosis type IX. Last evaluated: 2024-03-27. Review status: criteria provided, single submitter. Criteria: Natera Variant Classification Schema (03/2026). Collection method: clinical testing. Allele origin: germline.
Comment: The c.221delT variant in HYAL1 is a frameshift variant predicted to shift the reading frame beginning at codon 74 and leads to a stop codon 29 codons downstream. This variant is expected to result in nonsense mediated decay, truncation, or a dysfunctional protein product. This variant is rare in the general population with a frequency below the threshold expected for the associated phenotype(s). Given the available evidence, this variant is classified as Likely Pathogenic.

Labcorp Genetics (formerly Invitae), Labcorp
Classification: Pathogenic for Deficiency of hyaluronoglucosaminidase. Last evaluated: 2023-12-19. Review status: criteria provided, single submitter. Criteria: Invitae Variant Classification Sherloc (09022015). Collection method: clinical testing. Allele origin: germline.
Comment: This sequence change creates a premature translational stop signal (p.Phe74Serfs*29) in the HYAL1 gene. It is expected to result in an absent or disrupted protein product. Loss-of-function variants in HYAL1 are known to be pathogenic (PMID: 10339581, 21559944). This variant is present in population databases (no rsID available, gnomAD 0.006%). This variant has not been reported in the literature in individuals affected with HYAL1-related conditions. ClinVar contains an entry for this variant (Variation ID: 1988949). For these reasons, this variant has been classified as Pathogenic.

Literature cited by the submitters: PubMed 10339581 (cited by Labcorp Genetics (formerly Invitae), Labcorp); PubMed 21559944 (cited by Labcorp Genetics (formerly Invitae), Labcorp).

NM_033159.4(HYAL1):c.221del (p.Phe74fs)

Gene: HYAL1 (hyaluronidase 1; minus strand). Cytogenetic location: 3p21.31.
Variant type: Deletion.
Coding change: c.221del on transcript NM_033159.4 (MANE Select); coding-DNA position 221, one base deleted (T; older notation c.221delT).
Protein change: p.Phe74fs; shifts the reading frame from phenylalanine 74.
Molecular consequence: frameshift variant. On other transcripts: non-coding transcript variant (1), intron variant (2).
Genome position (GRCh38, 1-based): chr3:50,302,736, A deleted on the plus strand (T on the coding strand, the reverse complement: HYAL1 is on the minus strand); the first of 4 consecutive A bases (chr3:50,302,736-50,302,739); deleting any one gives the same sequence. VCF-style (leftmost placement, unchanged base first): chr3-50302735-GA-G. GRCh37 (hg19) VCF-style: chr3-50340166-GA-G.
Other names: c.218delT, p.Phe74Serfs (NM_007312.3); c.221del, p.Phe74fs (NM_153281.2, NM_153282.3); c.-26-531del (NM_153285.3); c.-213-113del (NM_153283.3); c.221delT (NM_153281.1); short protein forms F74fs.
Identifiers: ClinVar variation 1988949 (VCV001988949.5), dbSNP rs1450097579, ClinGen allele CA543053611.
Genomic context (GRCh38, chr3:50,302,735, plus strand): 5'-ACCAAACACAGGCTCCCCAGTGGGCGTGTAGTAGGGGTAGGTGCCCAGCTGGGAGCTATA[GA>G]AAATTGTCATGTCAGGGCCGCGGAAGGTCTGCCCTGGGTTGGCTACCACATCGAAGACAC-3'